The following is an entry in ClinVar:

ClinVar aggregate classification (germline): Uncertain significance. Review status: criteria provided, single submitter (1 of 4 stars). 2 submissions from 2 submitters: Uncertain significance (1). 1 of the submissions does not count toward it. Last evaluated 2022-10-04.

Conditions:
Achromatopsia. Also called: Rod monochromatism. Identifiers: Orphanet 49382, MedGen C0152200, MONDO:0018852, HP:0011516.

Allele frequency attached by ClinVar (database versions not stated): gnomAD exomes below 0.00001.

Submissions (2):

Labcorp Genetics (formerly Invitae), Labcorp
Classification: Uncertain significance. Last evaluated: 2022-10-04. Review status: criteria provided, single submitter. Criteria: Invitae Variant Classification Sherloc (09022015). Collection method: clinical testing. Allele origin: germline.
Comment: This sequence change replaces proline, which is neutral and non-polar, with arginine, which is basic and polar, at codon 65 of the CNGB3 protein (p.Pro65Arg). This variant is not present in population databases (gnomAD no frequency). This variant has not been reported in the literature in individuals affected with CNGB3-related conditions. ClinVar contains an entry for this variant (Variation ID: 1516070). Advanced modeling of protein sequence and biophysical properties (such as structural, functional, and spatial information, amino acid conservation, physicochemical variation, residue mobility, and thermodynamic stability) performed at Invitae indicates that this missense variant is not expected to disrupt CNGB3 protein function. In summary, the available evidence is currently insufficient to determine the role of this variant in disease. Therefore, it has been classified as a Variant of Uncertain Significance.

Natera, Inc.
Classification: Uncertain significance for Achromatopsia. Last evaluated: 2025-05-01. Review status: no assertion criteria provided. Collection method: clinical testing. Allele origin: germline. Not counted in ClinVar's aggregate classification.

NM_019098.5(CNGB3):c.194C>G (p.Pro65Arg)

Gene: CNGB3 (cyclic nucleotide gated channel subunit beta 3; minus strand). Cytogenetic location: 8q21.3.
Variant type: single nucleotide variant.
Coding change: c.194C>G on transcript NM_019098.5 (MANE Select); coding-DNA position 194, C replaced by G.
Protein change: p.Pro65Arg; replaces proline 65 with arginine.
Molecular consequence: missense variant.
Genome position (GRCh38, 1-based): chr8:86,739,672, G>C on the plus strand (C>G on the coding strand, the complement: CNGB3 is on the minus strand). VCF-style: chr8-86739672-G-C. GRCh37 (hg19) VCF-style: chr8-87751900-G-C.
Other names: c.194C>G (NM_019098.4); short protein forms P65R.
Identifiers: ClinVar variation 1516070 (VCV001516070.6), dbSNP rs1586045967, ClinGen allele CA371456674.